The following is an entry in ClinVar:

NM_000276.4(OCRL):c.1244+1338_1366del

Gene: OCRL (OCRL inositol polyphosphate-5-phosphatase; plus strand). Cytogenetic location: Xq26.1.
Variant type: Deletion.
Coding change: c.1244+1338_1366del on transcript NM_000276.4 (MANE Select); 1338 bases into the intron after coding-DNA position 1244 through coding-DNA position 1366, 3,140 bases deleted.
Molecular consequence: splice acceptor variant, splice donor variant.
Genome position (GRCh38, 1-based): chrX:129,564,124-129,567,263, 3,140 bases deleted. GRCh37 (hg19): chrX:128,698,101-128,701,240.
Other names: c.1247+1338_1369del (NM_001318784.2); c.1244+1338_1366del (NM_001587.4).
Identifiers: ClinVar variation 642337 (VCV000642337.1), ClinGen allele CA915952384.

ClinVar aggregate classification (germline): Likely pathogenic (1 of 4 stars; one submission).

Conditions:
Lowe syndrome (OCRL). Also called: LOWE OCULOCEREBRORENAL SYNDROME; Oculocerebrorenal Syndrome; PHOSPHATIDYLINOSITOL 4,5-BISPHOSPHATE 5-PHOSPHATASE DEFICIENCY. Identifiers: Orphanet 534, MedGen C0028860, MONDO:0010645, OMIM 309000.

Submission:

Labcorp Genetics (formerly Invitae), Labcorp
Classification: Likely pathogenic for Lowe syndrome. Last evaluated: 2018-10-13. Review status: criteria provided, single submitter. Criteria: Invitae Variant Classification Sherloc (09022015). Collection method: clinical testing. Allele origin: germline.
Comment: This variant is a deletion of the genomic region encompassing exon 13 and part of exon 14 (c.1244+1337_1365del) of the OCRL gene. It is expected to disrupt RNA splicing and likely results in an absent or disrupted protein product. This variant has not been reported in the literature in individuals with OCRL-related disease. Loss-of-function variants in OCRL are known to be pathogenic (PMID: 21031565, 22381590). In summary, the currently available evidence indicates that the variant is pathogenic, but additional data are needed to prove that conclusively. Therefore, this variant has been classified as Likely Pathogenic.